The following is an entry in ClinVar:

ClinVar aggregate classification (germline): Uncertain significance (1 of 4 stars; one submission).

Submission:

GeneDx
Classification: Uncertain significance. Last evaluated: 2023-06-27. Review status: criteria provided, single submitter. Criteria: GeneDx Variant Classification Process June 2021. Collection method: clinical testing. Allele origin: germline. Affected: yes.
Comment: Not observed at significant frequency in large population cohorts (gnomAD); Canonical splice site variant in a gene or region of a gene for which loss of function is not a well-established mechanism of disease; Has not been previously published as pathogenic or benign to our knowledge

NM_001046.3(SLC12A2):c.1405_1408+1del

Gene: SLC12A2 (solute carrier family 12 member 2; plus strand). Cytogenetic location: 5q23.3.
Variant type: Deletion.
Coding change: c.1405_1408+1del on transcript NM_001046.3 (MANE Select); coding-DNA position 1405 through the canonical splice donor site of the intron after coding-DNA position 1408, 5 bases deleted (AAATG; older notation c.1405_1408+1delAAATG).
Molecular consequence: splice donor variant.
Genome position (GRCh38, 1-based): chr5:128,135,805-128,135,809, AAATG deleted. VCF-style (leftmost placement, unchanged base first): chr5-128135804-TAAATG-T. GRCh37 (hg19) VCF-style: chr5-127471496-TAAATG-T.
Other names: c.1405_1408+1del (NM_001256461.2).
Identifiers: ClinVar variation 3360259 (VCV003360259.1).
Genomic context (GRCh38, chr5:128,135,804, plus strand): 5'-TTTCGTCATAGGAACATTTATCCCACTGGAGAGCAAGAAGCCAAAAGGGTTTTTTGGTTA[TAAATG>T]TAAGTAAAAAAGATTCAATATTTTTTAAGGGTACCTATTTATAGAATTCTATCATCAATT-3'